The following is an entry in ClinVar:

ClinVar aggregate classification (germline): Uncertain significance (0 of 4 stars; one submission).

Conditions:
PLXNA3-related disorder. Also called: PLXNA3-related condition.

gnomAD v4.1: 10 of 1,209,668 alleles (0.00083%); highest among the groups gnomAD compares: Admixed American, 0.015%; no homozygotes.

Submission:

PreventionGenetics, part of Exact Sciences
Classification: Uncertain significance for PLXNA3-related condition. Last evaluated: 2024-05-29. Review status: no assertion criteria provided. Collection method: clinical testing. Allele origin: germline.
Comment: The PLXNA3 c.5287G>A variant is predicted to result in the amino acid substitution p.Glu1763Lys. To our knowledge, this variant has not been reported in the literature. This variant is reported in 0.026% of alleles in individuals of Latino descent in gnomAD, including 3 hemizygous individuals, which is more common than expected for a pathogenic variant. Although we suspect that this variant may be benign, at this time, the clinical significance of this variant is uncertain due to the absence of conclusive functional and genetic evidence.

NM_017514.5(PLXNA3):c.5287G>A (p.Glu1763Lys)

Gene: PLXNA3 (plexin A3; plus strand). Cytogenetic location: Xq28.
Variant type: single nucleotide variant.
Coding change: c.5287G>A on transcript NM_017514.5 (MANE Select); coding-DNA position 5287, G replaced by A.
Protein change: p.Glu1763Lys; replaces glutamic acid 1763 with lysine.
Molecular consequence: missense variant.
Genome position (GRCh38, 1-based): chrX:154,471,235, G>A. VCF-style: chrX-154471235-G-A. GRCh37 (hg19) VCF-style: chrX-153699578-G-A.
Other names: short protein forms E1763K.
Identifiers: ClinVar variation 3351982 (VCV003351982.1).